The following is an entry in ClinVar:

ClinVar aggregate classification (germline): Pathogenic (1 of 4 stars; one submission).

Submission:

Labcorp Genetics (formerly Invitae), Labcorp
Classification: Pathogenic. Last evaluated: 2024-11-11. Review status: criteria provided, single submitter. Criteria: Invitae Variant Classification Sherloc (09022015). Collection method: clinical testing. Allele origin: germline.
Comment: This sequence change creates a premature translational stop signal (p.Pro1298Serfs*18) in the COL4A2 gene. It is expected to result in an absent or disrupted protein product. Loss-of-function variants in COL4A2 are known to be pathogenic (PMID: 22333902, 30315939). This variant is not present in population databases (gnomAD no frequency). This variant has not been reported in the literature in individuals affected with COL4A2-related conditions. ClinVar contains an entry for this variant (Variation ID: 1352073). For these reasons, this variant has been classified as Pathogenic.

Literature cited by the submitters: PubMed 22333902; PubMed 30315939.

NM_001846.4(COL4A2):c.3882_3891dup (p.Pro1298fs)

Genes: COL4A2 (collagen type IV alpha 2 chain; plus strand), COL4A2-AS1 (COL4A2 antisense RNA 1; minus strand). Cytogenetic location: 13q34.
Variant type: Duplication.
Coding change: c.3882_3891dup on transcript NM_001846.4 (MANE Select); coding-DNA positions 3882 to 3891, 10 bases duplicated (TCGGGGCCCA; older notation c.3882_3891dupTCGGGGCCCA).
Protein change: p.Pro1298fs; shifts the reading frame from proline 1298.
Molecular consequence: frameshift variant.
Genome position (GRCh38, 1-based): chr13:110,503,125-110,503,134, TCGGGGCCCA duplicated; duplicating any 10 consecutive bases within chr13:110,503,124-110,503,134 gives the same sequence; the c. name uses the placement nearest the transcript's 3' end. VCF-style (leftmost placement, unchanged base first): chr13-110503123-T-TATCGGGGCCC. GRCh37 (hg19) VCF-style: chr13-111155470-T-TATCGGGGCCC.
Other names: short protein forms P1298fs.
Identifiers: ClinVar variation 1352073 (VCV001352073.6), dbSNP rs2139552020, ClinGen allele CA2573149459.